The following is an entry in ClinVar:

ClinVar aggregate classification (germline): Likely benign. Review status: criteria provided, multiple submitters, no conflicts (2 of 4 stars). 2 submissions from 2 submitters: Likely benign (2). Last evaluated 2024-05-20.

Conditions:
Megaconial type congenital muscular dystrophy (MDCMC). Also called: CHKB-Related Muscular Dystrophy; CHKB-Related Muscle Diseases; MUSCULAR DYSTROPHY, CONGENITAL, WITH MITOCHONDRIAL STRUCTURAL ABNORMALITIES. Identifiers: Orphanet 280671, MedGen C1865233, MONDO:0011246, OMIM 602541.

Allele frequency attached by ClinVar (database versions not stated): gnomAD exomes below 0.00001; gnomAD 0.00002; TOPMed 0.00002.
gnomAD v4.1: 4 of 1,612,794 alleles (0.00025%); highest among the groups gnomAD compares: Admixed American, 0.0067%; no homozygotes.

Submissions (2):

Labcorp Genetics (formerly Invitae), Labcorp
Classification: Likely benign for Megaconial type congenital muscular dystrophy. Last evaluated: 2024-05-20. Review status: criteria provided, single submitter. Criteria: Invitae Variant Classification Sherloc (09022015). Collection method: clinical testing. Allele origin: germline.

GeneDx
Classification: Likely benign. Last evaluated: 2016-11-21. Review status: criteria provided, single submitter. Criteria: GeneDx Variant Classification (06012015). Collection method: clinical testing. Allele origin: germline. Affected: yes.
Comment: This variant is considered likely benign or benign based on one or more of the following criteria: it is a conservative change, it occurs at a poorly conserved position in the protein, it is predicted to be benign by multiple in silico algorithms, and/or has population frequency not consistent with disease.

NM_005198.5(CHKB):c.581+8A>T

Genes: CHKB (choline kinase beta; minus strand), CHKB-CPT1B (CHKB-CPT1B readthrough (NMD candidate); minus strand). Cytogenetic location: 22q13.33.
Variant type: single nucleotide variant.
Coding change: c.581+8A>T on transcript NM_005198.5 (MANE Select); 8 bases into the intron after coding-DNA position 581, A replaced by T.
Molecular consequence: intron variant.
Genome position (GRCh38, 1-based): chr22:50,581,412, T>A on the plus strand (A>T on the coding strand, the complement: CHKB is on the minus strand). VCF-style: chr22-50581412-T-A. GRCh37 (hg19) VCF-style: chr22-51019841-T-A.
Identifiers: ClinVar variation 391040 (VCV000391040.9), dbSNP rs1057523950, ClinGen allele CA16609105.
Genomic context (GRCh38, chr22:50,581,412, plus strand): 5'-CCGACACATCCGCTGGCATGGAGGTTCAGCTCAGGAGTACAGGAGCCCTGAGGAGGCTCC[T>A]GACTCACCGCTCCATGGTCCCAAACAGCCAGTGGGGCTCCTTGGTGAAAGGCATCTCCAT-3'